The following is an entry in ClinVar:

ClinVar aggregate classification (germline): Uncertain significance. Review status: criteria provided, multiple submitters, no conflicts (2 of 4 stars). 2 submissions from 2 submitters: Uncertain significance (2). Last evaluated 2024-10-22.

Conditions:
Inborn genetic diseases. Identifiers: MedGen C0950123, MeSH D030342.

Allele frequency attached by ClinVar (database versions not stated): gnomAD 0.00001; TOPMed 0.00001.
gnomAD v4.1: 35 of 1,607,430 alleles (0.0022%); highest among the groups gnomAD compares: Non-Finnish European, 0.003%; no homozygotes.

Submissions (2):

GeneDx
Classification: Uncertain significance. Last evaluated: 2024-10-22. Review status: criteria provided, single submitter. Criteria: GeneDx Variant Classification Process June 2021. Collection method: clinical testing. Allele origin: germline. Affected: yes.
Comment: Not observed at significant frequency in large population cohorts (gnomAD); In silico analysis supports that this missense variant has a deleterious effect on protein structure/function; Missense variant in a gene in which most reported pathogenic variants are truncating/loss of function; Has not been previously published as pathogenic or benign to our knowledge

Ambry Genetics
Classification: Uncertain significance for Inborn genetic diseases. Last evaluated: 2022-10-26. Review status: criteria provided, single submitter. Criteria: Ambry Variant Classification Scheme 2023. Collection method: clinical testing. Allele origin: germline.

NM_001330078.2(NRXN1):c.1754G>T (p.Arg585Leu)

Gene: NRXN1 (neurexin 1; minus strand). Cytogenetic location: 2p16.3.
Variant type: single nucleotide variant.
Coding change: c.1754G>T on transcript NM_001330078.2 (MANE Select); coding-DNA position 1754, G replaced by T.
Protein change: p.Arg585Leu; replaces arginine 585 with leucine.
Molecular consequence: missense variant.
Genome position (GRCh38, 1-based): chr2:50,552,592, C>A on the plus strand (G>T on the coding strand, the complement: NRXN1 is on the minus strand). VCF-style: chr2-50552592-C-A. GRCh37 (hg19) VCF-style: chr2-50779730-C-A.
Other names: c.1874G>T, p.Arg625Leu (NM_001135659.3); c.1730G>T, p.Arg577Leu (NM_001330077.2, NM_001330082.2, NM_001330095.2); c.1715G>T, p.Arg572Leu (NM_001330083.2, NM_001330084.2); c.1754G>T, p.Arg585Leu (NM_001330085.2, NM_001330086.2, NM_004801.6); c.1670G>T, p.Arg557Leu (NM_001330087.2, NM_001330096.2); c.1700G>T, p.Arg567Leu (NM_001330088.2); c.1751G>T, p.Arg584Leu (NM_001330093.2); c.1742G>T, p.Arg581Leu (NM_001330094.2); short protein forms R567L, R572L, R585L, R625L, R557L, R581L, R584L, R577L.
Identifiers: ClinVar variation 2319980 (VCV002319980.3), dbSNP rs1235200815, ClinGen allele CA346772639.